The following is an entry in ClinVar:

ClinVar aggregate classification (germline): Uncertain significance (1 of 4 stars; one submission).

Submission:

GeneDx
Classification: Uncertain significance. Last evaluated: 2020-02-18. Review status: criteria provided, single submitter. Criteria: GeneDx Variant Classification Process June 2021. Collection method: clinical testing. Allele origin: germline. Affected: yes.
Comment: Not observed in large population cohorts (Lek et al., 2016); Nonsense variant predicted to result in protein truncation or nonsense mediated decay in a gene for which loss-of-function is not a known mechanism of disease; Has not been previously published as pathogenic or benign to our knowledge

NM_018026.4(PACS1):c.1128C>G (p.Tyr376Ter)

Gene: PACS1 (phosphofurin acidic cluster sorting protein 1; plus strand). Cytogenetic location: 11q13.2.
Variant type: single nucleotide variant.
Coding change: c.1128C>G on transcript NM_018026.4 (MANE Select); coding-DNA position 1128, C replaced by G.
Protein change: p.Tyr376Ter; replaces tyrosine 376 with a stop codon.
Molecular consequence: nonsense.
Genome position (GRCh38, 1-based): chr11:66,220,720, C>G. VCF-style: chr11-66220720-C-G. GRCh37 (hg19) VCF-style: chr11-65988191-C-G.
Other names: short protein forms Y376*.
Identifiers: ClinVar variation 1313812 (VCV001313812.2), dbSNP rs2134718049, ClinGen allele CA381356987.
Genomic context (GRCh38, chr11:66,220,720, plus strand): 5'-CGAGCAGATCCGGGAAGTGGAAGAGGACTTGGATGAATTGTATGACAGTCTGGAGATGTA[C>G]AACCCCAGCGACAGTGGCCCTGAGATGGAGGAGACAGAAAGCATCCTCAGCACGCCAAAG-3'